The following is an entry in ClinVar:

NM_014639.4(SKIC3):c.1758-1G>A

Gene: SKIC3 (SKI3 subunit of superkiller complex; minus strand). Cytogenetic location: 5q15.
Variant type: single nucleotide variant.
Coding change: c.1758-1G>A on transcript NM_014639.4 (MANE Select); the canonical splice acceptor site of the intron before coding-DNA position 1758, G replaced by A.
Molecular consequence: splice acceptor variant.
Genome position (GRCh38, 1-based): chr5:95,522,308, C>T on the plus strand (G>A on the coding strand, the complement: SKIC3 is on the minus strand). VCF-style: chr5-95522308-C-T. GRCh37 (hg19) VCF-style: chr5-94858012-C-T.
Identifiers: ClinVar variation 4719246 (VCV004719246.1).

ClinVar aggregate classification (germline): Likely pathogenic (1 of 4 stars; one submission).

Submission:

Labcorp Genetics (formerly Invitae), Labcorp
Classification: Likely pathogenic. Last evaluated: 2025-05-08. Review status: criteria provided, single submitter. Criteria: Invitae Variant Classification Sherloc (09022015). Collection method: clinical testing. Allele origin: germline.
Comment: This sequence change affects an acceptor splice site in intron 18 of the TTC37 gene. It is expected to disrupt RNA splicing. Variants that disrupt the donor or acceptor splice site typically lead to a loss of protein function (PMID: 16199547), and loss-of-function variants in TTC37 are known to be pathogenic (PMID: 20176027, 21120949). This variant is not present in population databases (gnomAD no frequency). This variant has not been reported in the literature in individuals affected with TTC37-related conditions. Algorithms developed to predict the effect of sequence changes on RNA splicing suggest that this variant may disrupt the consensus splice site. In summary, the currently available evidence indicates that the variant is pathogenic, but additional data are needed to prove that conclusively. Therefore, this variant has been classified as Likely Pathogenic.

Literature cited by the submitters: PubMed 16199547; PubMed 20176027; PubMed 21120949.